The following is an entry in ClinVar:

ClinVar aggregate classification (germline): Pathogenic/Likely pathogenic. Review status: criteria provided, multiple submitters, no conflicts (2 of 4 stars). 2 submissions from 2 submitters: Pathogenic (1); Likely pathogenic (1). Last evaluated 2026-03-30.

Conditions:
Mitral valve prolapse, myxomatous 2. Also called: Mitral valve prolapse 2; MMVP2. Identifiers: MedGen C1843003, MONDO:0011915, OMIM 607829.
Van Maldergem syndrome 1 (VMLDS1). Also called: Van Maldergem syndrome 1 (VMLDS1). Identifiers: Orphanet 314679, MedGen C4551950, MONDO:0011070, OMIM 601390.

Submissions (2):

Clinical Genomics Laboratory, Washington University in St. Louis
Classification: Likely pathogenic for Mitral valve prolapse, myxomatous 2; Van Maldergem syndrome 1. Last evaluated: 2026-03-30. Review status: criteria provided, single submitter. Criteria: ACMG Guidelines, 2015. Collection method: clinical testing. Allele origin: germline. Affected: yes.
Comment: A DCHS1 c.6759_6772del (p.Ser2254Glyfs*14) variant was identified at a near heterozygous allelic fraction of 48.9%, a frequency which may be consistent with it being of germline origin. The DCHS1 c.6759_6772del (p.Ser2254Glyfs*14) variant, to our knowledge, has not been reported in the medical literature. This variant is absent from the general population (gnomAD v4.1.0), indicating it is not a common variant. Loss of function is a known disease mechanism for this gene. This variant causes a frameshift by deleting 14 nucleotides, leading to a premature termination codon, which is predicted to lead to nonsense mediated decay. Based on available information and the ACMG/AMP guidelines for variant interpretation (Richards S et al., PMID: 25741868), this variant is classified as likely pathogenic.

Labcorp Genetics (formerly Invitae), Labcorp
Classification: Pathogenic. Last evaluated: 2025-03-12. Review status: criteria provided, single submitter. Criteria: Invitae Variant Classification Sherloc (09022015). Collection method: clinical testing. Allele origin: germline.
Comment: This sequence change creates a premature translational stop signal (p.Ser2254Glyfs*14) in the DCHS1 gene. It is expected to result in an absent or disrupted protein product. Loss-of-function variants in DCHS1 are known to be pathogenic (PMID: 24056717, 26258302). This variant is not present in population databases (gnomAD no frequency). This variant has not been reported in the literature in individuals affected with DCHS1-related conditions. For these reasons, this variant has been classified as Pathogenic.

Literature cited by the submitters: uncertain (cited by Clinical Genomics Laboratory, Washington University in St. Louis); PubMed 24056717 (cited by Labcorp Genetics (formerly Invitae), Labcorp); PubMed 26258302 (cited by Labcorp Genetics (formerly Invitae), Labcorp).

NM_003737.4(DCHS1):c.6759_6772del (p.Ser2254fs)

Gene: DCHS1 (dachsous cadherin-related 1; minus strand). Cytogenetic location: 11p15.4.
Variant type: Deletion.
Coding change: c.6759_6772del on transcript NM_003737.4 (MANE Select); coding-DNA positions 6759 to 6772, 14 bases deleted (GAGCCCAGCCCTGG).
Protein change: p.Ser2254fs; shifts the reading frame from serine 2254.
Molecular consequence: frameshift variant.
Genome position (GRCh38, 1-based): chr11:6,625,687-6,625,700, CCAGGGCTGGGCTC deleted on the plus strand (GAGCCCAGCCCTGG on the coding strand, the reverse complement: DCHS1 is on the minus strand); deleting any 14 consecutive bases within chr11:6,625,687-6,625,702 gives the same sequence; the c. name uses the placement nearest the transcript's 3' end. VCF-style (leftmost placement, unchanged base first): chr11-6625686-ACCAGGGCTGGGCTC-A. GRCh37 (hg19) VCF-style: chr11-6646917-ACCAGGGCTGGGCTC-A.
Other names: short protein forms S2254fs.
Identifiers: ClinVar variation 4714939 (VCV004714939.2).
Genomic context (GRCh38, chr11:6,625,686, plus strand): 5'-GGGATGGTGGGGCGATTGTCATTGGTGTCGATGACCATCACCGTCAAGGTAGCTGAGCCC[ACCAGGGCTGGGCTC>A]CCTCTGTCTGTGGCCATCAGCACCAACCTGGACACAAAGCACAATCATCGGGTGGGACAT-3'